The following is an entry in ClinVar:

ClinVar aggregate classification (germline): Uncertain significance (1 of 4 stars; one submission).

Allele frequency attached by ClinVar (database versions not stated): gnomAD 0.00001; gnomAD exomes 0.00001 and 0.00002; TOPMed below 0.00001.

Submission:

Labcorp Genetics (formerly Invitae), Labcorp
Classification: Uncertain significance. Last evaluated: 2021-07-14. Review status: criteria provided, single submitter. Criteria: Invitae Variant Classification Sherloc (09022015). Collection method: clinical testing. Allele origin: germline.
Comment: In summary, the available evidence is currently insufficient to determine the role of this variant in disease. Therefore, it has been classified as a Variant of Uncertain Significance. This sequence change replaces arginine with cysteine at codon 436 of the PDE8B protein (p.Arg436Cys). The arginine residue is moderately conserved and there is a large physicochemical difference between arginine and cysteine. This variant is not present in population databases (ExAC no frequency). This variant has not been reported in the literature in individuals affected with PDE8B-related conditions. Algorithms developed to predict the effect of missense changes on protein structure and function are either unavailable or do not agree on the potential impact of this missense change (SIFT: "Tolerated"; PolyPhen-2: "Probably Damaging"; Align-GVGD: "Class C0").

NM_003719.5(PDE8B):c.1306C>T (p.Arg436Cys)

Gene: PDE8B (phosphodiesterase 8B; plus strand). Cytogenetic location: 5q13.3.
Variant type: single nucleotide variant.
Coding change: c.1306C>T on transcript NM_003719.5 (MANE Select); coding-DNA position 1306, C replaced by T.
Protein change: p.Arg436Cys; replaces arginine 436 with cysteine.
Molecular consequence: missense variant.
Genome position (GRCh38, 1-based): chr5:77,407,398, C>T. VCF-style: chr5-77407398-C-T. GRCh37 (hg19) VCF-style: chr5-76703223-C-T.
Other names: c.1015C>T, p.Arg339Cys (NM_001029851.4); c.1306C>T, p.Arg436Cys (NM_001029852.4); c.1246C>T, p.Arg416Cys (NM_001029853.4); c.1165C>T, p.Arg389Cys (NM_001029854.4); c.1303C>T, p.Arg435Cys (NM_001349748.3, NM_001349751.3); c.1369C>T, p.Arg457Cys (NM_001349749.3); c.1066C>T, p.Arg356Cys (NM_001349750.3); c.1000C>T, p.Arg334Cys (NM_001349752.3); and 12 more; short protein forms R308C, R433C, R435C, R436C, R215C, R238C, R288C, R334C.
Identifiers: ClinVar variation 1516619 (VCV001516619.8), dbSNP rs1414540761, ClinGen allele CA360177984.